The following is an entry in ClinVar:

ClinVar aggregate classification (germline): Uncertain significance. Review status: criteria provided, multiple submitters, no conflicts (2 of 4 stars). 2 submissions from 2 submitters: Uncertain significance (2). Last evaluated 2024-11-26.

Conditions:
Inborn genetic diseases. Identifiers: MedGen C0950123, MeSH D030342.

Allele frequency attached by ClinVar (database versions not stated): gnomAD exomes below 0.00001; TOPMed 0.00001.
gnomAD v4.1: 8 of 1,574,058 alleles (0.00051%); highest among the groups gnomAD compares: East Asian, 0.0045%; no homozygotes.

Submissions (2):

Ambry Genetics
Classification: Uncertain significance for Inborn genetic diseases. Last evaluated: 2024-11-26. Review status: criteria provided, single submitter. Criteria: Ambry Variant Classification Scheme 2023. Collection method: clinical testing. Allele origin: germline.

Labcorp Genetics (formerly Invitae), Labcorp
Classification: Uncertain significance. Last evaluated: 2022-10-04. Review status: criteria provided, single submitter. Criteria: Invitae Variant Classification Sherloc (09022015). Collection method: clinical testing. Allele origin: germline.
Comment: This sequence change replaces serine, which is neutral and polar, with arginine, which is basic and polar, at codon 323 of the OSTM1 protein (p.Ser323Arg). This variant is present in population databases (no rsID available, gnomAD 0.003%). This variant has not been reported in the literature in individuals affected with OSTM1-related conditions. ClinVar contains an entry for this variant (Variation ID: 1003639). Advanced modeling of protein sequence and biophysical properties (such as structural, functional, and spatial information, amino acid conservation, physicochemical variation, residue mobility, and thermodynamic stability) performed at Invitae indicates that this missense variant is not expected to disrupt OSTM1 protein function. In summary, the available evidence is currently insufficient to determine the role of this variant in disease. Therefore, it has been classified as a Variant of Uncertain Significance.

NM_014028.4(OSTM1):c.969T>G (p.Ser323Arg)

Gene: OSTM1 (osteoclastogenesis associated transmembrane protein 1; minus strand). Cytogenetic location: 6q21.
Variant type: single nucleotide variant.
Coding change: c.969T>G on transcript NM_014028.4 (MANE Select); coding-DNA position 969, T replaced by G.
Protein change: p.Ser323Arg; replaces serine 323 with arginine.
Molecular consequence: missense variant.
Genome position (GRCh38, 1-based): chr6:108,044,821, A>C on the plus strand (T>G on the coding strand, the complement: OSTM1 is on the minus strand). VCF-style: chr6-108044821-A-C. GRCh37 (hg19) VCF-style: chr6-108366025-A-C.
Other names: c.969T>G (NM_014028.3); short protein forms S323R.
Identifiers: ClinVar variation 1003639 (VCV001003639.7), dbSNP rs1179655544, ClinGen allele CA365326773.